The following is an entry in ClinVar:

NM_000179.3(MSH6):c.1279_1282del (p.Tyr427fs)

Gene: MSH6 (mutS homolog 6; plus strand). Cytogenetic location: 2p16.3.
Variant type: Deletion.
Coding change: c.1279_1282del on transcript NM_000179.3 (MANE Select); coding-DNA positions 1279 to 1282, 4 bases deleted (TACA; older notation c.1279_1282delTACA).
Protein change: p.Tyr427fs; shifts the reading frame from tyrosine 427.
Molecular consequence: frameshift variant.
Genome position (GRCh38, 1-based): chr2:47,799,262-47,799,265, TACA deleted. VCF-style (leftmost placement, unchanged base first): chr2-47799261-TTACA-T. GRCh37 (hg19) VCF-style: chr2-48026400-TTACA-T.
Other names: c.889_892del, p.Tyr297fs (NM_001281492.2); c.373_376del, p.Tyr125fs (NM_001281493.2, NM_001281494.2); c.1375_1378delTACA, p.Tyr459Argfs (NM_001406795.1, NM_001406802.1); c.1279_1282delTACA, p.Tyr427Argfs (NM_001406796.1, NM_001406798.1, NM_001406800.1 and 4 more transcripts); c.982_985delTACA, p.Tyr328Argfs (NM_001406797.1, NM_001406801.1, NM_001406805.1 and 10 more transcripts); c.754_757delTACA, p.Tyr252Argfs (NM_001406799.1, NM_001406806.1, NM_001406807.1); c.1201_1204delTACA, p.Tyr401Argfs (NM_001406804.1); c.373_376delTACA, p.Tyr125Argfs (NM_001406811.1, NM_001406812.1, NM_001406814.1 and 4 more transcripts); and 2 more; short protein forms Y125fs, Y427fs, Y297fs.
Identifiers: ClinVar variation 1767205 (VCV001767205.2), dbSNP rs2530600837, ClinGen allele CA2580067546.
Genomic context (GRCh38, chr2:47,799,261, plus strand): 5'-TACTCCTGGGATGAGGAAGTGGTGGCAGATTAAGTCTCAGAACTTTGATCTTGTCATCTG[TTACA>T]AGGTGGGGAAATTTTATGAGCTGTACCACATGGATGCTCTTATTGGAGTCAGTGAACTGG-3'

ClinVar aggregate classification (germline): Pathogenic (1 of 4 stars; one submission).

Conditions:
Hereditary cancer-predisposing syndrome. Also called: Hereditary Cancer Syndrome; Hereditary neoplastic syndrome; Neoplastic Syndromes, Hereditary; Tumor predisposition. Identifiers: Orphanet 140162, MedGen C0027672, MeSH D009386, MONDO:0015356.

Submission:

Ambry Genetics
Classification: Pathogenic for Hereditary cancer-predisposing syndrome. Last evaluated: 2020-12-10. Review status: criteria provided, single submitter. Criteria: Ambry Variant Classification Scheme 2023. Collection method: clinical testing. Allele origin: germline.
Comment: The c.1279_1282delTACA pathogenic mutation, located in coding exon 4 of the MSH6 gene, results from a deletion of 4 nucleotides at nucleotide positions 1279 to 1282, causing a translational frameshift with a predicted alternate stop codon (p.Y427Rfs*25). This alteration is expected to result in loss of function by premature protein truncation or nonsense-mediated mRNA decay. As such, this alteration is interpreted as a disease-causing mutation.